The following is an entry in ClinVar:

NM_001605.3(AARS1):c.1916C>T (p.Thr639Ile)

Gene: AARS1 (alanyl-tRNA synthetase 1; minus strand). Cytogenetic location: 16q22.1.
Variant type: single nucleotide variant.
Coding change: c.1916C>T on transcript NM_001605.3 (MANE Select); coding-DNA position 1916, C replaced by T.
Protein change: p.Thr639Ile; replaces threonine 639 with isoleucine.
Molecular consequence: missense variant.
Genome position (GRCh38, 1-based): chr16:70,259,056, G>A on the plus strand (C>T on the coding strand, the complement: AARS1 is on the minus strand). VCF-style: chr16-70259056-G-A. GRCh37 (hg19) VCF-style: chr16-70292959-G-A.
Other names: short protein forms T639I.
Identifiers: ClinVar variation 1800394 (VCV001800394.9), dbSNP rs762373456, ClinGen allele CA8140635.

ClinVar aggregate classification (germline): Uncertain significance. Review status: criteria provided, multiple submitters, no conflicts (2 of 4 stars). 3 submissions from 3 submitters: Uncertain significance (3). Last evaluated 2023-03-21.

Conditions:
Charcot-Marie-Tooth disease type 2. Also called: Charcot-Marie-Tooth type 2. Identifiers: Orphanet 64746, MedGen C0270914, MONDO:0018993.
Inborn genetic diseases. Identifiers: MedGen C0950123, MeSH D030342.

Allele frequency attached by ClinVar (database versions not stated): gnomAD exomes 0.00002; ExAC 0.00001.
gnomAD v4.1: 22 of 1,614,188 alleles (0.0014%); highest among the groups gnomAD compares: South Asian, 0.0033%; no homozygotes.

Submissions (3):

Revvity Omics, Revvity
Classification: Uncertain significance. Last evaluated: 2023-03-21. Review status: criteria provided, single submitter. Criteria: ACMG Guidelines, 2015. Collection method: clinical testing. Allele origin: germline.

Labcorp Genetics (formerly Invitae), Labcorp
Classification: Uncertain significance for Charcot-Marie-Tooth disease type 2. Last evaluated: 2022-05-30. Review status: criteria provided, single submitter. Criteria: Invitae Variant Classification Sherloc (09022015). Collection method: clinical testing. Allele origin: germline.
Comment: This sequence change replaces threonine, which is neutral and polar, with isoleucine, which is neutral and non-polar, at codon 639 of the AARS protein (p.Thr639Ile). In summary, the available evidence is currently insufficient to determine the role of this variant in disease. Therefore, it has been classified as a Variant of Uncertain Significance. Algorithms developed to predict the effect of missense changes on protein structure and function are either unavailable or do not agree on the potential impact of this missense change (SIFT: "Deleterious"; PolyPhen-2: "Possibly Damaging"; Align-GVGD: "Class C0"). This variant has not been reported in the literature in individuals affected with AARS-related conditions. This variant is present in population databases (rs762373456, gnomAD 0.006%).

Ambry Genetics
Classification: Uncertain significance for Inborn genetic diseases. Last evaluated: 2019-09-30. Review status: criteria provided, single submitter. Criteria: Ambry Variant Classification Scheme 2023. Collection method: clinical testing. Allele origin: germline.
Comment: The p.T639I variant (also known as c.1916C>T), located in coding exon 13 of the AARS gene, results from a C to T substitution at nucleotide position 1916. The threonine at codon 639 is replaced by isoleucine, an amino acid with similar properties. This amino acid position is well conserved in available vertebrate species. In addition, this alteration is predicted to be deleterious by in silico analysis. Since supporting evidence is limited at this time, the clinical significance of this alteration remains unclear.